The following is an entry in ClinVar:

NM_001278116.2(L1CAM):c.349A>G (p.Ser117Gly)

Gene: L1CAM (L1 cell adhesion molecule; minus strand). Cytogenetic location: Xq28.
Variant type: single nucleotide variant.
Coding change: c.349A>G on transcript NM_001278116.2 (MANE Select); coding-DNA position 349, A replaced by G.
Protein change: p.Ser117Gly; replaces serine 117 with glycine.
Molecular consequence: missense variant.
Genome position (GRCh38, 1-based): chrX:153,872,203, T>C on the plus strand (A>G on the coding strand, the complement: L1CAM is on the minus strand). VCF-style: chrX-153872203-T-C. GRCh37 (hg19) VCF-style: chrX-153137658-T-C.
Other names: c.349A>G, p.Ser117Gly (NM_000425.5, NM_024003.3); c.334A>G, p.Ser112Gly (NM_001143963.2); short protein forms S112G, S117G.
Identifiers: ClinVar variation 4802220 (VCV004802220.1).

ClinVar aggregate classification (germline): Uncertain significance (1 of 4 stars; one submission).

Conditions:
Spastic paraplegia. Identifiers: MedGen C0037772, HP:0001258.

Submission:

Labcorp Genetics (formerly Invitae), Labcorp
Classification: Uncertain significance for Spastic paraplegia. Last evaluated: 2025-09-29. Review status: criteria provided, single submitter. Criteria: Invitae Variant Classification Sherloc (09022015). Collection method: clinical testing. Allele origin: germline.
Comment: This sequence change replaces serine, which is neutral and polar, with glycine, which is neutral and non-polar, at codon 117 of the L1CAM protein (p.Ser117Gly). This variant is not present in population databases (gnomAD no frequency). This variant has not been reported in the literature in individuals affected with L1CAM-related conditions. Invitae Evidence Modeling of protein sequence and biophysical properties (such as structural, functional, and spatial information, amino acid conservation, physicochemical variation, residue mobility, and thermodynamic stability) indicates that this missense variant is not expected to disrupt L1CAM protein function with a negative predictive value of 95%. In summary, the available evidence is currently insufficient to determine the role of this variant in disease. Therefore, it has been classified as a Variant of Uncertain Significance.